The following is an entry in ClinVar:

NM_178554.6(KY):c.1901G>T (p.Cys634Phe)

Genes: CEP63 (centrosomal protein 63; plus strand), KY (kyphoscoliosis peptidase; minus strand). Cytogenetic location: 3q22.2.
Variant type: single nucleotide variant.
Coding change: c.1901G>T on transcript NM_178554.6 (MANE Select); coding-DNA position 1901, G replaced by T.
Protein change: p.Cys634Phe; replaces cysteine 634 with phenylalanine.
Molecular consequence: missense variant.
Genome position (GRCh38, 1-based): chr3:134,603,664, C>A on the plus strand (G>T on the coding strand, the complement: KY is on the minus strand). VCF-style: chr3-134603664-C-A. GRCh37 (hg19) VCF-style: chr3-134322506-C-A.
Other names: c.1853G>T, p.Cys618Phe (NM_001350859.2); c.1838G>T, p.Cys613Phe (NM_001366276.1); short protein forms C634F, C613F, C618F.
Identifiers: ClinVar variation 1032559 (VCV001032559.2), dbSNP rs1012857901, ClinGen allele CA83752179.

ClinVar aggregate classification (germline): Uncertain significance. Review status: criteria provided, multiple submitters, no conflicts (2 of 4 stars). 2 submissions from 2 submitters: Uncertain significance (2). Last evaluated 2024-10-19.

Conditions:
Inborn genetic diseases. Identifiers: MedGen C0950123, MeSH D030342.
Myofibrillar myopathy 7. Identifiers: MedGen C4310711, MONDO:0014922, OMIM 617114.

Allele frequency attached by ClinVar (database versions not stated): gnomAD exomes below 0.00001 and 0.00002; TOPMed 0.00002.
gnomAD v4.1: 26 of 1,613,572 alleles (0.0016%); highest among the groups gnomAD compares: African/African-American, 0.0027%; no homozygotes.

Submissions (2):

Ambry Genetics
Classification: Uncertain significance for Inborn genetic diseases. Last evaluated: 2024-10-19. Review status: criteria provided, single submitter. Criteria: Ambry Variant Classification Scheme 2023. Collection method: clinical testing. Allele origin: germline.

Baylor Genetics
Classification: Uncertain significance for Myofibrillar myopathy 7. Last evaluated: 2018-01-29. Review status: criteria provided, single submitter. Criteria: ACMG Guidelines, 2015. Collection method: clinical testing. Allele origin: unknown. Affected: yes.
Comment: This variant was determined to be of uncertain significance according to ACMG Guidelines, 2015 [PMID:25741868].